The following is an entry in ClinVar:

NM_002204.4(ITGA3):c.1537+8C>A

Gene: ITGA3 (integrin subunit alpha 3; plus strand). Cytogenetic location: 17q21.33.
Variant type: single nucleotide variant.
Coding change: c.1537+8C>A on transcript NM_002204.4 (MANE Select); 8 bases into the intron after coding-DNA position 1537, C replaced by A.
Molecular consequence: intron variant.
Genome position (GRCh38, 1-based): chr17:50,075,534, C>A. VCF-style: chr17-50075534-C-A. GRCh37 (hg19) VCF-style: chr17-48152898-C-A.
Identifiers: ClinVar variation 3029026 (VCV003029026.2), dbSNP rs2508940120, ClinGen allele CA2740093780.
Genomic context (GRCh38, chr17:50,075,534, plus strand): 5'-GTGCTTTGCTTACAACCAGAGTGCCGGGAACCCCAACTACAGGCGAAACATCAGTGAGTG[C>A]TGGGGTGCAGCGTAAAAGGGGTACGCTCCCCTGTCCCCTTGCTGACCACCCTGTCTACCT-3'

ClinVar aggregate classification (germline): Likely benign (0 of 4 stars; one submission).

Conditions:
ITGA3-related disorder. Also called: ITGA3-related condition.

Submission:

PreventionGenetics, part of Exact Sciences
Classification: Likely benign for ITGA3-related condition. Last evaluated: 2021-09-16. Review status: no assertion criteria provided. Collection method: clinical testing. Allele origin: germline.
Comment: This variant is classified as likely benign based on ACMG/AMP sequence variant interpretation guidelines (Richards et al. 2015 PMID: 25741868, with internal and published modifications).